The following is an entry in ClinVar:

ClinVar aggregate classification (germline): Likely pathogenic (1 of 4 stars; one submission).

Submission:

Labcorp Genetics (formerly Invitae), Labcorp
Classification: Likely pathogenic. Last evaluated: 2021-08-08. Review status: criteria provided, single submitter. Criteria: Invitae Variant Classification Sherloc (09022015). Collection method: clinical testing. Allele origin: germline.
Comment: This sequence change affects a donor splice site in intron 8 of the GNAS gene. It is expected to disrupt RNA splicing. Variants that disrupt the donor or acceptor splice site typically lead to a loss of protein function (PMID: 16199547), and loss-of-function variants in GNAS are known to be pathogenic (PMID: 11784876, 23281139, 23796510, 25802881). This variant is not present in population databases (ExAC no frequency). Disruption of this splice site has been observed in individual(s) with Pseudohypoparathyroidism (PMID: 21521295). Algorithms developed to predict the effect of sequence changes on RNA splicing suggest that this variant may disrupt the consensus splice site. In summary, the currently available evidence indicates that the variant is pathogenic, but additional data are needed to prove that conclusively. Therefore, this variant has been classified as Likely Pathogenic.

Literature cited by the submitters: PubMed 16199547; PubMed 11784876; PubMed 23281139; PubMed 23796510; PubMed 25802881; PubMed 21521295.

NM_000516.7(GNAS):c.659+1G>A

Gene: GNAS (GNAS complex locus; plus strand). Cytogenetic location: 20q13.32.
Variant type: single nucleotide variant.
Coding change: c.659+1G>A on transcript NM_000516.7 (MANE Select); the canonical splice donor site of the intron after coding-DNA position 659, G replaced by A.
Molecular consequence: splice donor variant.
Genome position (GRCh38, 1-based): chr20:58,909,424, G>A. VCF-style: chr20-58909424-G-A. GRCh37 (hg19) VCF-style: chr20-57484479-G-A.
Other names: c.*565+1G>A (NM_016592.5); c.563+1G>A (NM_001410912.1); c.482+1G>A (NM_001309861.2, NM_001309840.2); c.*520+1G>A (NM_001077490.3); c.2588+1G>A (NM_080425.4); c.2543+1G>A (NM_001410913.1); c.662+1G>A (NM_001077488.5); c.617+1G>A (NM_080426.4); and 1 more.
Identifiers: ClinVar variation 1500578 (VCV001500578.6), dbSNP rs2146272908, ClinGen allele CA409452246.